The following is an entry in ClinVar:

ClinVar aggregate classification (germline): Uncertain significance (0 of 4 stars; one submission).

Conditions:
ERMARD-related disorder. Also called: ERMARD-related condition.

Submission:

PreventionGenetics, part of Exact Sciences
Classification: Uncertain significance for ERMARD-related condition. Last evaluated: 2024-07-17. Review status: no assertion criteria provided. Collection method: clinical testing. Allele origin: germline.
Comment: The ERMARD c.417+3_417+6delAAGT variant is predicted to result in an intronic deletion. To our knowledge, this variant has not been reported in the literature or in a large population database, indicating this variant is rare. At this time, the clinical significance of this variant is uncertain due to the absence of conclusive functional and genetic evidence.

NM_018341.3(ERMARD):c.417+3_417+6del

Gene: ERMARD (ER membrane associated RNA degradation; plus strand). Cytogenetic location: 6q27.
Variant type: Deletion.
Coding change: c.417+3_417+6del on transcript NM_018341.3 (MANE Select); bases 3 to 6 of the intron after coding-DNA position 417, 4 bases deleted (AAGT; older notation c.417+3_417+6delAAGT).
Molecular consequence: splice donor variant.
Genome position (GRCh38, 1-based): chr6:169,756,442-169,756,445, AAGT deleted; deleting any 4 consecutive bases within chr6:169,756,440-169,756,445 gives the same sequence; the c. name uses the placement nearest the transcript's 3' end. VCF-style (leftmost placement, unchanged base first): chr6-169756439-TGTAA-T. GRCh37 (hg19) VCF-style: chr6-170156535-TGTAA-T.
Other names: c.417+3_417+6del (NM_001278531.2, NM_001278533.2); c.39+3_39+6del (NM_001278532.2, NM_001410957.1).
Identifiers: ClinVar variation 3344791 (VCV003344791.1).